The following is an entry in ClinVar:

NM_000256.3(MYBPC3):c.2746T>C (p.Trp916Arg)

Gene: MYBPC3 (myosin binding protein C3; minus strand). Cytogenetic location: 11p11.2.
Variant type: single nucleotide variant.
Coding change: c.2746T>C on transcript NM_000256.3 (MANE Select); coding-DNA position 2746, T replaced by C.
Protein change: p.Trp916Arg; replaces tryptophan 916 with arginine.
Molecular consequence: missense variant.
Genome position (GRCh38, 1-based): chr11:47,335,201, A>G on the plus strand (T>C on the coding strand, the complement: MYBPC3 is on the minus strand). VCF-style: chr11-47335201-A-G. GRCh37 (hg19) VCF-style: chr11-47356752-A-G.
Other names: short protein forms W916R.
Identifiers: ClinVar variation 1980955 (VCV001980955.4), dbSNP rs2495744705, ClinGen allele CA380316831.
Genomic context (GRCh38, chr11:47,335,201, plus strand): 5'-TGGGCAGGTCCTTCACCAGTATCGATGTGTGCTCTGTCAGCCCCTGCAGGGCAGCCACCC[A>G]CTCTGAGCCTGGGGGTGGGGAGGGGGAGGCAAGGCCACAGGCTGTGTCACCACTGACACC-3'
Protein context (NP_000247.2, residues 906-926): VEYCPEGCSE[Trp916Arg]VAALQGLTEH

ClinVar aggregate classification (germline): Uncertain significance (1 of 4 stars; one submission).

Conditions:
Hypertrophic cardiomyopathy. Also called: HYPERTROPHIC MYOCARDIOPATHY. Identifiers: Orphanet 217569, MedGen C0007194, MeSH D002312, MONDO:0005045, HP:0001639.

Submission:

Labcorp Genetics (formerly Invitae), Labcorp
Classification: Uncertain significance for Hypertrophic cardiomyopathy. Last evaluated: 2025-12-08. Review status: criteria provided, single submitter. Criteria: Invitae Variant Classification Sherloc (09022015). Collection method: clinical testing. Allele origin: germline.
Comment: This sequence change replaces tryptophan, which is neutral and slightly polar, with arginine, which is basic and polar, at codon 916 of the MYBPC3 protein (p.Trp916Arg). This variant is not present in population databases (gnomAD no frequency). This variant has not been reported in the literature in individuals affected with MYBPC3-related conditions. ClinVar contains an entry for this variant (Variation ID: 1980955). An algorithm developed to predict the effect of missense changes on protein structure and function (PolyPhen-2) suggests that this variant is likely to be disruptive. In summary, the available evidence is currently insufficient to determine the role of this variant in disease. Therefore, it has been classified as a Variant of Uncertain Significance.